The following is an entry in ClinVar:

ClinVar aggregate classification (germline): Uncertain significance (1 of 4 stars; one submission).

Conditions:
Inborn genetic diseases. Identifiers: MedGen C0950123, MeSH D030342.

Submission:

Ambry Genetics
Classification: Uncertain significance for Inborn genetic diseases. Last evaluated: 2024-01-01. Review status: criteria provided, single submitter. Criteria: Ambry Variant Classification Scheme 2023. Collection method: clinical testing. Allele origin: germline.
Comment: The p.P514S variant (also known as c.1540C>T), located in coding exon 13 of the LRRK2 gene, results from a C to T substitution at nucleotide position 1540. The proline at codon 514 is replaced by serine, an amino acid with similar properties. This amino acid position is conserved. In addition, this alteration is predicted to be tolerated by in silico analysis. Since supporting evidence is limited at this time, the clinical significance of this alteration remains unclear.

NM_198578.4(LRRK2):c.1540C>T (p.Pro514Ser)

Gene: LRRK2 (leucine rich repeat kinase 2; plus strand). Cytogenetic location: 12q12.
Variant type: single nucleotide variant.
Coding change: c.1540C>T on transcript NM_198578.4 (MANE Select); coding-DNA position 1540, C replaced by T.
Protein change: p.Pro514Ser; replaces proline 514 with serine.
Molecular consequence: missense variant.
Genome position (GRCh38, 1-based): chr12:40,259,601, C>T. VCF-style: chr12-40259601-C-T. GRCh37 (hg19) VCF-style: chr12-40653403-C-T.
Other names: short protein forms P514S.
Identifiers: ClinVar variation 3229519 (VCV003229519.1), dbSNP rs2499551132, ClinGen allele CA384411809.